The following is an entry in ClinVar:

NM_024735.5(FBXO31):c.698C>T (p.Thr233Met)

Gene: FBXO31 (F-box protein 31; minus strand). Cytogenetic location: 16q24.2.
Variant type: single nucleotide variant.
Coding change: c.698C>T on transcript NM_024735.5 (MANE Select); coding-DNA position 698, C replaced by T.
Protein change: p.Thr233Met; replaces threonine 233 with methionine.
Molecular consequence: missense variant.
Genome position (GRCh38, 1-based): chr16:87,342,911, G>A on the plus strand (C>T on the coding strand, the complement: FBXO31 is on the minus strand). VCF-style: chr16-87342911-G-A. GRCh37 (hg19) VCF-style: chr16-87376517-G-A.
Other names: c.182C>T, p.Thr61Met (NM_001282683.2); short protein forms T233M, T61M.
Identifiers: ClinVar variation 4751318 (VCV004751318.1).

ClinVar aggregate classification (germline): Uncertain significance (1 of 4 stars; one submission).

gnomAD v4.1: 9 of 1,607,850 alleles (0.00056%); highest among the groups gnomAD compares: Non-Finnish European, 0.00068%; no homozygotes.

Submission:

Labcorp Genetics (formerly Invitae), Labcorp
Classification: Uncertain significance. Last evaluated: 2025-08-19. Review status: criteria provided, single submitter. Criteria: Invitae Variant Classification Sherloc (09022015). Collection method: clinical testing. Allele origin: germline.
Comment: This sequence change replaces threonine, which is neutral and polar, with methionine, which is neutral and non-polar, at codon 233 of the FBXO31 protein (p.Thr233Met). The frequency data for this variant in the population databases is considered unreliable, as metrics indicate poor data quality at this position in the gnomAD database. This variant has not been reported in the literature in individuals affected with FBXO31-related conditions. An algorithm developed to predict the effect of missense changes on protein structure and function (PolyPhen-2) suggests that this variant is likely to be disruptive. In summary, the available evidence is currently insufficient to determine the role of this variant in disease. Therefore, it has been classified as a Variant of Uncertain Significance.